The following is an entry in ClinVar:

ClinVar aggregate classification (germline): Uncertain significance (1 of 4 stars; one submission).

Conditions:
Immunodeficiency 39 (IMD39). Identifiers: Orphanet 574918, MedGen C4225358, MONDO:0014597, OMIM 616345.

gnomAD v4.1: 3 of 1,611,990 alleles (0.00019%); highest among the groups gnomAD compares: Non-Finnish European, 0.00025%; no homozygotes.

Submission:

Labcorp Genetics (formerly Invitae), Labcorp
Classification: Uncertain significance for Immunodeficiency 39. Last evaluated: 2025-05-07. Review status: criteria provided, single submitter. Criteria: Invitae Variant Classification Sherloc (09022015). Collection method: clinical testing. Allele origin: germline.
Comment: This sequence change replaces valine, which is neutral and non-polar, with alanine, which is neutral and non-polar, at codon 200 of the IRF7 protein (p.Val200Ala). This variant is present in population databases (rs763883439, gnomAD 0.002%). This variant has not been reported in the literature in individuals affected with IRF7-related conditions. Invitae Evidence Modeling of protein sequence and biophysical properties (such as structural, functional, and spatial information, amino acid conservation, physicochemical variation, residue mobility, and thermodynamic stability) indicates that this missense variant is not expected to disrupt IRF7 protein function with a negative predictive value of 80%. In summary, the available evidence is currently insufficient to determine the role of this variant in disease. Therefore, it has been classified as a Variant of Uncertain Significance.

NM_001572.5(IRF7):c.560T>C (p.Val187Ala)

Gene: IRF7 (interferon regulatory factor 7; minus strand). Cytogenetic location: 11p15.5.
Variant type: single nucleotide variant.
Coding change: c.560T>C on transcript NM_001572.5 (MANE Select); coding-DNA position 560, T replaced by C.
Protein change: p.Val187Ala; replaces valine 187 with alanine.
Molecular consequence: missense variant. On other transcripts: intron variant (1).
Genome position (GRCh38, 1-based): chr11:614,293, A>G on the plus strand (T>C on the coding strand, the complement: IRF7 is on the minus strand). VCF-style: chr11-614293-A-G. GRCh37 (hg19) VCF-style: chr11-614293-A-G.
Other names: c.596T>C, p.Val199Ala (NM_001440440.1); c.557T>C, p.Val186Ala (NM_001440442.1, NM_001440445.1); c.599T>C, p.Val200Ala (NM_001440444.1, NM_004031.4); c.560T>C, p.Val187Ala (NM_004029.4); c.395-428T>C (NM_001440446.1); short protein forms V186A, V187A, V199A, V200A.
Identifiers: ClinVar variation 4812144 (VCV004812144.1).